The following is an entry in ClinVar:

NM_001098484.3(SLC4A4):c.1297T>C (p.Cys433Arg)

Gene: SLC4A4 (solute carrier family 4 member 4; plus strand). Cytogenetic location: 4q13.3.
Variant type: single nucleotide variant.
Coding change: c.1297T>C on transcript NM_001098484.3 (MANE Select); coding-DNA position 1297, T replaced by C.
Protein change: p.Cys433Arg; replaces cysteine 433 with arginine.
Molecular consequence: missense variant.
Genome position (GRCh38, 1-based): chr4:71,451,276, T>C. VCF-style: chr4-71451276-T-C. GRCh37 (hg19) VCF-style: chr4-72316993-T-C.
Other names: c.1297T>C, p.Cys433Arg (NM_001134742.2); c.1165T>C, p.Cys389Arg (NM_003759.4); short protein forms C433R, C389R.
Identifiers: ClinVar variation 904400 (VCV000904400.10), dbSNP rs771339934, ClinGen allele CA2954784.

ClinVar aggregate classification (germline): Conflicting classifications of pathogenicity. Review status: criteria provided, conflicting classifications (1 of 4 stars). 3 submissions from 3 submitters: Uncertain significance (2); Likely benign (1). Last evaluated 2024-08-28.

Conditions:
Autosomal recessive proximal renal tubular acidosis (PRTAO). Also called: RENAL TUBULAR ACIDOSIS, PROXIMAL, WITH OCULAR ABNORMALITIES AND MENTAL RETARDATION; PROXIMAL RENAL TUBULAR ACIDOSIS-OCULAR ANOMALY SYNDROME; RENAL TUBULAR ACIDOSIS, PROXIMAL, WITH OCULAR ABNORMALITIES AND IMPAIRED INTELLECTUAL DEVELOPMENT; RTA, PROXIMAL, AUTOSOMAL RECESSIVE. Identifiers: Orphanet 93607, MedGen C1970309, MONDO:0011422, OMIM 604278.

Allele frequency attached by ClinVar (database versions not stated): ExAC 0.00003; gnomAD exomes 0.00004 and 0.00008; gnomAD 0.00006 and 0.00009; TOPMed 0.00007.
gnomAD v4.1: 137 of 1,612,130 alleles (0.0085%); highest among the groups gnomAD compares: Middle Eastern, 0.33%; no homozygotes.

Submissions (3):

Labcorp Genetics (formerly Invitae), Labcorp
Classification: Uncertain significance. Last evaluated: 2024-08-28. Review status: criteria provided, single submitter. Criteria: Invitae Variant Classification Sherloc (09022015). Collection method: clinical testing. Allele origin: germline.
Comment: This sequence change replaces cysteine, which is neutral and slightly polar, with arginine, which is basic and polar, at codon 389 of the SLC4A4 protein (p.Cys389Arg). This variant is present in population databases (rs771339934, gnomAD 0.01%). This variant has not been reported in the literature in individuals affected with SLC4A4-related conditions. ClinVar contains an entry for this variant (Variation ID: 904400). An algorithm developed to predict the effect of missense changes on protein structure and function (PolyPhen-2) suggests that this variant is likely to be tolerated. In summary, the available evidence is currently insufficient to determine the role of this variant in disease. Therefore, it has been classified as a Variant of Uncertain Significance.

Baylor Genetics
Classification: Uncertain significance for Autosomal recessive proximal renal tubular acidosis. Last evaluated: 2019-11-15. Review status: criteria provided, single submitter. Criteria: ACMG Guidelines, 2015. Collection method: clinical testing. Allele origin: unknown. Affected: yes.
Comment: This variant was determined to be of uncertain significance according to ACMG Guidelines, 2015 [PMID:25741868].

Illumina Laboratory Services, Illumina
Classification: Likely benign for Autosomal recessive proximal renal tubular acidosis. Last evaluated: 2017-04-27. Review status: criteria provided, single submitter. Criteria: ICSL Variant Classification Criteria 13 December 2019. Collection method: clinical testing. Allele origin: germline.
Comment: This variant was observed as part of a predisposition screen in an ostensibly healthy population. A literature search was performed for the gene, cDNA change, and amino acid change (where applicable). Publications were found based on this search. The evidence from the literature, in combination with allele frequency data from public databases where available, was sufficient to determine this variant is unlikely to cause disease. Therefore, this variant is classified as likely benign.

Literature cited by the submitters: PubMed 23362273 (cited by Illumina Laboratory Services, Illumina); PubMed 18658147 (cited by Illumina Laboratory Services, Illumina); PubMed 20197274 (cited by Illumina Laboratory Services, Illumina).